The following is an entry in ClinVar:

NM_001369.3(DNAH5):c.4078A>T (p.Lys1360Ter)

Genes: DNAH5 (dynein axonemal heavy chain 5; minus strand), DNAH5-AS1 (DNAH5 antisense RNA 1; plus strand). Cytogenetic location: 5p15.2.
Variant type: single nucleotide variant.
Coding change: c.4078A>T on transcript NM_001369.3 (MANE Select); coding-DNA position 4078, A replaced by T.
Protein change: p.Lys1360Ter; replaces lysine 1360 with a stop codon.
Molecular consequence: nonsense.
Genome position (GRCh38, 1-based): chr5:13,866,258, T>A on the plus strand (A>T on the coding strand, the complement: DNAH5 is on the minus strand). VCF-style: chr5-13866258-T-A. GRCh37 (hg19) VCF-style: chr5-13866367-T-A.
Other names: short protein forms K1360*.
Identifiers: ClinVar variation 1453484 (VCV001453484.7), dbSNP rs1769232570, ClinGen allele CA359226505.

ClinVar aggregate classification (germline): Pathogenic (1 of 4 stars; one submission).

Conditions:
Primary ciliary dyskinesia. Also called: Ciliary dyskinesia. Identifiers: Orphanet 244, MedGen C0008780, MONDO:0016575, HP:0012265.

Submission:

Labcorp Genetics (formerly Invitae), Labcorp
Classification: Pathogenic for Primary ciliary dyskinesia. Last evaluated: 2022-08-15. Review status: criteria provided, single submitter. Criteria: Invitae Variant Classification Sherloc (09022015). Collection method: clinical testing. Allele origin: germline.
Comment: For these reasons, this variant has been classified as Pathogenic. ClinVar contains an entry for this variant (Variation ID: 1453484). This variant has not been reported in the literature in individuals affected with DNAH5-related conditions. This variant is not present in population databases (gnomAD no frequency). This sequence change creates a premature translational stop signal (p.Lys1360*) in the DNAH5 gene. It is expected to result in an absent or disrupted protein product. Loss-of-function variants in DNAH5 are known to be pathogenic (PMID: 11788826, 16627867).

Literature cited by the submitters: PubMed 11788826; PubMed 16627867.